The following is an entry in ClinVar:

ClinVar aggregate classification (germline): Uncertain significance (1 of 4 stars; one submission).

gnomAD v4.1: 1 of 1,613,560 alleles (0.000062%); highest among the groups gnomAD compares: Non-Finnish European, 0.000085%; no homozygotes.

Submission:

GeneDx
Classification: Uncertain significance. Last evaluated: 2026-06-02. Review status: criteria provided, single submitter. Criteria: GeneDx Variant Classification Process June 2021. Collection method: clinical testing. Allele origin: germline.
Comment: Not observed at significant frequency in large population cohorts (gnomAD); In silico analysis suggests that this missense variant does not alter protein structure/function; Has not been previously published as pathogenic or benign to our knowledge

NM_032217.5(ANKRD17):c.3325A>G (p.Ile1109Val)

Gene: ANKRD17 (ankyrin repeat domain 17; minus strand). Cytogenetic location: 4q13.3.
Variant type: single nucleotide variant.
Coding change: c.3325A>G on transcript NM_032217.5 (MANE Select); coding-DNA position 3325, A replaced by G.
Protein change: p.Ile1109Val; replaces isoleucine 1109 with valine.
Molecular consequence: missense variant.
Genome position (GRCh38, 1-based): chr4:73,125,222, T>C on the plus strand (A>G on the coding strand, the complement: ANKRD17 is on the minus strand). VCF-style: chr4-73125222-T-C. GRCh37 (hg19) VCF-style: chr4-73990939-T-C.
Other names: c.2986A>G, p.Ile996Val (NM_001286771.3); c.3322A>G, p.Ile1108Val (NM_015574.2); c.2572A>G, p.Ile858Val (NM_198889.3); short protein forms I1108V, I1109V, I858V, I996V.
Identifiers: ClinVar variation 3899053 (VCV003899053.2).